The following is an entry in ClinVar:

ClinVar aggregate classification (germline): Uncertain significance (1 of 4 stars; one submission).

Conditions:
Hereditary spastic paraplegia 3A (SPG3A). Also called: Spastic paraplegia 3A, autosomal dominant; SPASTIC PARAPLEGIA 3, AUTOSOMAL DOMINANT; FAMILIAL SPASTIC PARAPLEGIA, AUTOSOMAL DOMINANT, 1; SPG3; STRUMPELL DISEASE; Spastic Paraplegia 3A. Identifiers: Orphanet 100984, MedGen C2931355, MONDO:0008437, OMIM 182600.

Submission:

Labcorp Genetics (formerly Invitae), Labcorp
Classification: Uncertain significance for Hereditary spastic paraplegia 3A. Last evaluated: 2022-08-19. Review status: criteria provided, single submitter. Criteria: Invitae Variant Classification Sherloc (09022015). Collection method: clinical testing. Allele origin: germline.
Comment: This sequence change falls in intron 4 of the ATL1 gene. It does not directly change the encoded amino acid sequence of the ATL1 protein. It affects a nucleotide within the consensus splice site. This variant is not present in population databases (gnomAD no frequency). This variant has not been reported in the literature in individuals affected with ATL1-related conditions. Variants that disrupt the consensus splice site are a relatively common cause of aberrant splicing (PMID: 17576681, 9536098). Algorithms developed to predict the effect of sequence changes on RNA splicing suggest that this variant is not likely to affect RNA splicing. In summary, the available evidence is currently insufficient to determine the role of this variant in disease. Therefore, it has been classified as a Variant of Uncertain Significance.

Literature cited by the submitters: PubMed 17576681; PubMed 9536098.

NM_015915.5(ATL1):c.522+5G>A

Gene: ATL1 (atlastin GTPase 1; plus strand). Cytogenetic location: 14q22.1.
Variant type: single nucleotide variant.
Coding change: c.522+5G>A on transcript NM_015915.5 (MANE Select); 5 bases into the intron after coding-DNA position 522, G replaced by A.
Molecular consequence: intron variant.
Genome position (GRCh38, 1-based): chr14:50,591,644, G>A. VCF-style: chr14-50591644-G-A. GRCh37 (hg19) VCF-style: chr14-51058362-G-A.
Other names: c.522+5G>A (NM_001127713.1, NM_181598.4).
Identifiers: ClinVar variation 2022146 (VCV002022146.4), dbSNP rs2504493832, ClinGen allele CA2580088218.